The following is an entry in ClinVar:

ClinVar aggregate classification (germline): Uncertain significance. Review status: criteria provided, multiple submitters, no conflicts (2 of 4 stars). 2 submissions from 2 submitters: Uncertain significance (2). Last evaluated 2024-09-03.

Allele frequency attached by ClinVar (database versions not stated): TOPMed below 0.00001; gnomAD 0.00001; ExAC 0.00002.
gnomAD v4.1: 9 of 1,593,386 alleles (0.00056%); highest among the groups gnomAD compares: Admixed American, 0.0035%; no homozygotes.

Submissions (2):

Ambry Genetics
Classification: Uncertain significance. Last evaluated: 2024-09-03. Review status: criteria provided, single submitter. Criteria: Ambry Variant Classification Scheme 2023. Collection method: clinical testing. Allele origin: germline.

Labcorp Genetics (formerly Invitae), Labcorp
Classification: Uncertain significance. Last evaluated: 2024-05-12. Review status: criteria provided, single submitter. Criteria: Invitae Variant Classification Sherloc (09022015). Collection method: clinical testing. Allele origin: germline.
Comment: This sequence change replaces valine, which is neutral and non-polar, with alanine, which is neutral and non-polar, at codon 440 of the FUK protein (p.Val440Ala). The frequency data for this variant in the population databases is considered unreliable, as metrics indicate poor data quality at this position in the gnomAD database. This variant has not been reported in the literature in individuals affected with FUK-related conditions. Algorithms developed to predict the effect of missense changes on protein structure and function output the following: SIFT: "Not Available"; PolyPhen-2: "Benign"; Align-GVGD: "Not Available". The alanine amino acid residue is found in multiple mammalian species, which suggests that this missense change does not adversely affect protein function. In summary, the available evidence is currently insufficient to determine the role of this variant in disease. Therefore, it has been classified as a Variant of Uncertain Significance.

NM_145059.3(FCSK):c.1319T>C (p.Val440Ala)

Gene: FCSK (fucose kinase; plus strand). Cytogenetic location: 16q22.1.
Variant type: single nucleotide variant.
Coding change: c.1319T>C on transcript NM_145059.3 (MANE Select); coding-DNA position 1319, T replaced by C.
Protein change: p.Val440Ala; replaces valine 440 with alanine.
Molecular consequence: missense variant.
Genome position (GRCh38, 1-based): chr16:70,471,330, T>C. VCF-style: chr16-70471330-T-C. GRCh37 (hg19) VCF-style: chr16-70505233-T-C.
Other names: c.1319T>C (NM_145059.2); short protein forms V440A.
Identifiers: ClinVar variation 2719364 (VCV002719364.4), dbSNP rs764037766, ClinGen allele CA8143276.